The following is an entry in ClinVar:

ClinVar aggregate classification (germline): Pathogenic (1 of 4 stars; one submission).

Conditions:
Hereditary cancer-predisposing syndrome. Also called: Neoplastic Syndromes, Hereditary; Tumor predisposition; Hereditary Cancer Syndrome; Hereditary neoplastic syndrome. Identifiers: Orphanet 140162, MedGen C0027672, MeSH D009386, MONDO:0015356.

Submission:

Ambry Genetics
Classification: Pathogenic for Hereditary cancer-predisposing syndrome. Last evaluated: 2022-03-03. Review status: criteria provided, single submitter. Criteria: Ambry Variant Classification Scheme 2023. Collection method: clinical testing. Allele origin: germline.
Comment: The c.3453delA variant, located in coding exon 15 of the APC gene, results from a deletion of one nucleotide at nucleotide position 3453, causing a translational frameshift with a predicted alternate stop codon (p.E1151Dfs*14). This alteration occurs at the 3' terminus of theAPC gene, is not expected to trigger nonsense-mediated mRNA decay, and only impacts the last 1,693 amino acids of the protein. However, premature stop codons are typically deleterious in nature, and a significant portion of the protein is affected, including a region that is critical for protein function (Ambry internal data). This variant is considered to be rare based on population cohorts in the Genome Aggregation Database (gnomAD). Based on the supporting evidence, this alteration is interpreted as a disease-causing mutation.

NM_000038.6(APC):c.3453del (p.Glu1151fs)

Gene: APC (APC regulator of Wnt signaling pathway; plus strand). Cytogenetic location: 5q22.2.
Variant type: Deletion.
Coding change: c.3453del on transcript NM_000038.6 (MANE Select); coding-DNA position 3453, one base deleted (A; older notation c.3453delA).
Protein change: p.Glu1151fs; shifts the reading frame from glutamic acid 1151.
Molecular consequence: frameshift variant.
Genome position (GRCh38, 1-based): chr5:112,839,047, A deleted; the last of 2 consecutive A bases (chr5:112,839,046-112,839,047); deleting either gives the same sequence. VCF-style (leftmost placement, unchanged base first): chr5-112839045-GA-G. GRCh37 (hg19) VCF-style: chr5-112174742-GA-G.
Other names: c.3453del, p.Glu1151fs (NM_001127510.3, NM_001354895.2); c.3399del, p.Glu1133fs (NM_001127511.3); c.3507del, p.Glu1169fs (NM_001354896.2); c.3483del, p.Glu1161fs (NM_001354897.2); c.3378del, p.Glu1126fs (NM_001354898.2); c.3369del, p.Glu1123fs (NM_001354899.2); c.3330del, p.Glu1110fs (NM_001354900.2); c.3276del, p.Glu1092fs (NM_001354901.2); and 16 more; short protein forms E991fs, E1025fs, E1060fs, E1092fs, E1123fs, E1133fs, E1161fs, E868fs.
Identifiers: ClinVar variation 1731580 (VCV001731580.2), dbSNP rs2533499186, ClinGen allele CA2580072949.